The following is an entry in ClinVar:

NM_001267550.2(TTN):c.26463C>T (p.Phe8821=)

Gene: TTN (titin; minus strand). Cytogenetic location: 2q31.2.
Variant type: single nucleotide variant.
Coding change: c.26463C>T on transcript NM_001267550.2 (MANE Select); coding-DNA position 26463, C replaced by T.
Protein change: p.Phe8821=; no amino-acid change (phenylalanine 8821 retained).
Molecular consequence: synonymous variant. On other transcripts: intron variant (3).
Genome position (GRCh38, 1-based): chr2:178,714,311, G>A on the plus strand (C>T on the coding strand, the complement: TTN is on the minus strand). VCF-style: chr2-178714311-G-A. GRCh37 (hg19) VCF-style: chr2-179579038-G-A.
Other names: c.25512C>T, p.Phe8504= (NM_001256850.1); c.22731C>T, p.Phe7577= (NM_133378.4); c.13282+23771C>T (NM_003319.4); c.13858+23771C>T (NM_133437.4); c.13657+23771C>T (NM_133432.3); c.26463C>T (NM_001267550.1).
Identifiers: ClinVar variation 178886 (VCV000178886.15), dbSNP rs551600321, ClinGen allele CA183229.

ClinVar aggregate classification (germline): Likely benign. Review status: criteria provided, multiple submitters, no conflicts (2 of 4 stars). 4 submissions from 4 submitters: Likely benign (4). Last evaluated 2026-02-03.

Conditions:
Dilated cardiomyopathy 1G (CMD1G). Identifiers: Orphanet 154, MedGen C1858763, MONDO:0011400, OMIM 604145.
Autosomal recessive limb-girdle muscular dystrophy type 2J (LGMDR10). Also called: Limb-girdle muscular dystrophy, type 2J; MUSCULAR DYSTROPHY, LIMB-GIRDLE, AUTOSOMAL RECESSIVE 10. Identifiers: Orphanet 140922, MedGen C1837342, MONDO:0012127, OMIM 608807.

Allele frequency attached by ClinVar (database versions not stated): ExAC 0.00002; gnomAD exomes 0.00002; gnomAD 0.00003 and 0.00004; TOPMed 0.00003; 1000 Genomes Project 30x 0.00016; 1000 Genomes Project 0.00020.
gnomAD v4.1: 41 of 1,612,932 alleles (0.0025%); highest among the groups gnomAD compares: East Asian, 0.0045%; no homozygotes.

Submissions (4):

Labcorp Genetics (formerly Invitae), Labcorp
Classification: Likely benign for Dilated cardiomyopathy 1G; Autosomal recessive limb-girdle muscular dystrophy type 2J. Last evaluated: 2026-02-03. Review status: criteria provided, single submitter. Criteria: Invitae Variant Classification Sherloc (09022015). Collection method: clinical testing. Allele origin: germline.

Athena Diagnostics
Classification: Likely benign. Last evaluated: 2024-12-19. Review status: criteria provided, single submitter. Criteria: Athena Diagnostics Criteria. Collection method: clinical testing. Allele origin: unknown.
Comment: Computational tools yielded predictions that this variant is unlikely to have an effect on normal RNA splicing. This nucleotide position exhibits low evolutionary conservation.

GeneDx
Classification: Likely benign. Last evaluated: 2020-01-28. Review status: criteria provided, single submitter. Criteria: GeneDx Variant Classification Process June 2021. Collection method: clinical testing. Allele origin: germline. Affected: yes.

Laboratory for Molecular Medicine, Mass General Brigham Personalized Medicine
Classification: Likely benign. Last evaluated: 2013-04-05. Review status: criteria provided, single submitter. Criteria: LMM Criteria. Collection method: clinical testing. Allele origin: germline. Observed: 1 variant allele.
Comment: Phe7577Phe in exon 88 of TTN: This variant is not expected to have clinical sign ificance because it does not alter an amino acid residue and is not located with in the splice consensus sequence. Phe7577Phe in exon 88 of TTN (allele frequenc y = n/a)